The following is an entry in ClinVar:

NM_000492.4(CFTR):c.3322del (p.Val1108fs)

Genes: CFTR (CF transmembrane conductance regulator; plus strand), CFTR-AS2 (CFTR antisense RNA 2; minus strand), LOC111674472 (DNase I hypersensitive sites in introns 16 and 17a of CFTR; plus strand). Cytogenetic location: 7q31.2.
Variant type: Deletion.
Coding change: c.3322del on transcript NM_000492.4 (MANE Select); coding-DNA position 3322, one base deleted (G; older notation c.3322delG).
Protein change: p.Val1108fs; shifts the reading frame from valine 1108.
Molecular consequence: frameshift variant.
Genome position (GRCh38, 1-based): chr7:117,611,763, G deleted. VCF-style (leftmost placement, unchanged base first): chr7-117611762-TG-T. GRCh37 (hg19) VCF-style: chr7-117251816-TG-T.
Other names: c.3322delG (NM_000492.3); short protein forms V1108fs.
Identifiers: ClinVar variation 1411468 (VCV001411468.9), dbSNP rs2116085331, ClinGen allele CA2573141590.
Genomic context (GRCh38, chr7:117,611,762, plus strand): 5'-CAACTGGTTCTTGTACCTGTCAACACTGCGCTGGTTCCAAATGAGAATAGAAATGATTTT[TG>T]TCATCTTCTTCATTGCTGTTACCTTCATTTCCATTTTAACAACAGGTACTATGAACTCAT-3'

ClinVar aggregate classification (germline): Pathogenic. Review status: criteria provided, multiple submitters, no conflicts (2 of 4 stars). 3 submissions from 3 submitters: Pathogenic (3). Last evaluated 2022-09-05.

Conditions:
Cystic fibrosis (CF). Also called: MUCOVISCIDOSIS. Identifiers: Orphanet 586, MedGen C0010674, MONDO:0009061, OMIM 219700. Disease mechanism: loss of function.

Allele frequency attached by ClinVar (database versions not stated): gnomAD exomes below 0.00001.

Submissions (3):

Institute of Human Genetics, University of Leipzig Medical Center
Classification: Pathogenic for Cystic fibrosis. Last evaluated: 2022-09-05. Review status: criteria provided, single submitter. Criteria: ACMG Guidelines, 2015. Collection method: curation. Allele origin: unknown. Affected: yes. Observed: 1 variant allele.
Comment: The variant was classified in the context of a project re-classifying variants in the German Cystic Fibrosis Registry (Muko.e.V.). Criteria applied: PVS1, PM2_SUP, PP4

Labcorp Genetics (formerly Invitae), Labcorp
Classification: Pathogenic for Cystic fibrosis. Last evaluated: 2021-01-13. Review status: criteria provided, single submitter. Criteria: Invitae Variant Classification Sherloc (09022015). Collection method: clinical testing. Allele origin: germline.
Comment: For these reasons, this variant has been classified as Pathogenic. This variant has not been reported in the literature in individuals with CFTR-related conditions. This variant is not present in population databases (ExAC no frequency). This sequence change creates a premature translational stop signal (p.Val1108Serfs*13) in the CFTR gene. It is expected to result in an absent or disrupted protein product. Loss-of-function variants in CFTR are known to be pathogenic (PMID: 1695717, 7691345, 9725922).

Ambry Genetics
Classification: Pathogenic for Cystic fibrosis. Last evaluated: 2018-08-02. Review status: criteria provided, single submitter. Criteria: Ambry Variant Classification Scheme 2023. Collection method: clinical testing. Allele origin: germline.
Comment: The c.3322delG pathogenic mutation, located in coding exon 20 of the CFTR gene, results from a deletion of one nucleotide at nucleotide position 3322, causing a translational frameshift with a predicted alternate stop codon (p.V1108Sfs*13). This alteration is expected to result in loss of function by premature protein truncation or nonsense-mediated mRNA decay. As such, this alteration is interpreted as a disease-causing mutation.

Literature cited by the submitters: PubMed 1695717 (cited by Labcorp Genetics (formerly Invitae), Labcorp); PubMed 7691345 (cited by Labcorp Genetics (formerly Invitae), Labcorp); PubMed 9725922 (cited by Labcorp Genetics (formerly Invitae), Labcorp).